The following is an entry in ClinVar:

ClinVar aggregate classification (germline): Uncertain significance. Review status: criteria provided, multiple submitters, no conflicts (2 of 4 stars). 2 submissions from 2 submitters: Uncertain significance (2). Last evaluated 2026-01-28.

Conditions:
Colorectal cancer, hereditary nonpolyposis, type 7. Identifiers: Orphanet 144, MedGen C1858380, MONDO:0013725, OMIM 614385.

Allele frequency attached by ClinVar (database versions not stated): gnomAD exomes below 0.00001.

Submissions (2):

Labcorp Genetics (formerly Invitae), Labcorp
Classification: Uncertain significance for Colorectal cancer, hereditary nonpolyposis, type 7. Last evaluated: 2026-01-28. Review status: criteria provided, single submitter. Criteria: Invitae Variant Classification Sherloc (09022015). Collection method: clinical testing. Allele origin: germline.
Comment: This sequence change replaces methionine, which is neutral and non-polar, with arginine, which is basic and polar, at codon 1204 of the MLH3 protein (p.Met1204Arg). This variant is present in population databases (no rsID available, gnomAD 0.0009%). This variant has not been reported in the literature in individuals affected with MLH3-related conditions. ClinVar contains an entry for this variant (Variation ID: 1733235). An algorithm developed to predict the effect of missense changes on protein structure and function (PolyPhen-2) suggests that this variant is likely to be disruptive. In summary, the available evidence is currently insufficient to determine the role of this variant in disease. Therefore, it has been classified as a Variant of Uncertain Significance.

Ambry Genetics
Classification: Uncertain significance. Last evaluated: 2024-09-04. Review status: criteria provided, single submitter. Criteria: Ambry Variant Classification Scheme 2023. Collection method: clinical testing. Allele origin: germline.
Comment: The p.M1204R variant (also known as c.3611T>G), located in coding exon 5 of the MLH3 gene, results from a T to G substitution at nucleotide position 3611. The methionine at codon 1204 is replaced by arginine, an amino acid with similar properties. This amino acid position is conserved. In addition, this alteration is predicted to be deleterious by in silico analysis. Since supporting evidence is limited at this time, the clinical significance of this alteration remains unclear.

NM_001040108.2(MLH3):c.3611T>G (p.Met1204Arg)

Gene: MLH3 (mutL homolog 3; minus strand). Cytogenetic location: 14q24.3.
Variant type: single nucleotide variant.
Coding change: c.3611T>G on transcript NM_001040108.2 (MANE Select); coding-DNA position 3611, T replaced by G.
Protein change: p.Met1204Arg; replaces methionine 1204 with arginine.
Molecular consequence: missense variant.
Genome position (GRCh38, 1-based): chr14:75,038,372, A>C on the plus strand (T>G on the coding strand, the complement: MLH3 is on the minus strand). VCF-style: chr14-75038372-A-C. GRCh37 (hg19) VCF-style: chr14-75505075-A-C.
Other names: c.3611T>G, p.Met1204Arg (NM_014381.3); short protein forms M1204R.
Identifiers: ClinVar variation 1733235 (VCV001733235.5), dbSNP rs1399913634, ClinGen allele CA390427012.
Genomic context (GRCh38, chr14:75,038,372, plus strand): 5'-AATCATTCAGGCTAAACTCCATTCTTACCTGCCTCGCCATTCTCTTCAGTCTTAGTGCTC[A>C]TCAAACAGGCAATAAACTTGTTATCTACTTGCTGGAGAACCTGTCAGACATTCAAATAAG-3'
Protein context (NP_001035197.1, residues 1194-1214): QVDNKFIACL[Met1204Arg]STKTEENGEA